The following is an entry in ClinVar:

NM_020884.7(MYH7B):c.-15C>T

Gene: MYH7B (myosin heavy chain 7B; plus strand). Cytogenetic location: 20q11.22.
Variant type: single nucleotide variant.
Coding change: c.-15C>T on transcript NM_020884.7 (MANE Select); 15 bases upstream of the start codon, C replaced by T.
Molecular consequence: 5 prime UTR variant.
Genome position (GRCh38, 1-based): chr20:34,977,991, C>T. VCF-style: chr20-34977991-C-T. GRCh37 (hg19) VCF-style: chr20-33565794-C-T.
Other names: c.112C>T (NM_020884.3).
Identifiers: ClinVar variation 2059297 (VCV002059297.7), dbSNP rs771694952, ClinGen allele CA9826274.

ClinVar aggregate classification (germline): Uncertain significance. Review status: criteria provided, multiple submitters, no conflicts (2 of 4 stars). 2 submissions from 2 submitters: Uncertain significance (2). Last evaluated 2025-08-20.

Allele frequency attached by ClinVar (database versions not stated): TOPMed 0.00006; gnomAD 0.00011; gnomAD exomes 0.00015; ExAC 0.00021.
gnomAD v4.1: 245 of 1,614,102 alleles (0.015%); highest among the groups gnomAD compares: Middle Eastern, 0.3%; 1 homozygote.

Submissions (2):

Labcorp Genetics (formerly Invitae), Labcorp
Classification: Uncertain significance. Last evaluated: 2025-08-20. Review status: criteria provided, single submitter. Criteria: Invitae Variant Classification Sherloc (09022015). Collection method: clinical testing. Allele origin: germline.
Comment: This sequence change replaces proline, which is neutral and non-polar, with serine, which is neutral and polar, at codon 38 of the MYH7B protein (p.Pro38Ser). This variant is present in population databases (rs771694952, gnomAD 0.1%), and has an allele count higher than expected for a pathogenic variant. This variant has not been reported in the literature in individuals affected with MYH7B-related conditions. ClinVar contains an entry for this variant (Variation ID: 2059297). An algorithm developed to predict the effect of missense changes on protein structure and function (PolyPhen-2) suggests that this variant is likely to be tolerated. In summary, the available evidence is currently insufficient to determine the role of this variant in disease. Therefore, it has been classified as a Variant of Uncertain Significance.

Ambry Genetics
Classification: Uncertain significance. Last evaluated: 2025-07-15. Review status: criteria provided, single submitter. Criteria: Ambry Variant Classification Scheme 2023. Collection method: clinical testing. Allele origin: germline.